The following is an entry in ClinVar:

NM_005559.4(LAMA1):c.3390C>T (p.Asn1130=)

Gene: LAMA1 (laminin subunit alpha 1; minus strand). Cytogenetic location: 18p11.31.
Variant type: single nucleotide variant.
Coding change: c.3390C>T on transcript NM_005559.4 (MANE Select); coding-DNA position 3390, C replaced by T.
Protein change: p.Asn1130=; no amino-acid change (asparagine 1130 retained).
Molecular consequence: synonymous variant.
Genome position (GRCh38, 1-based): chr18:7,012,112, G>A on the plus strand (C>T on the coding strand, the complement: LAMA1 is on the minus strand). VCF-style: chr18-7012112-G-A. GRCh37 (hg19) VCF-style: chr18-7012111-G-A.
Identifiers: ClinVar variation 744721 (VCV000744721.13), dbSNP rs150019331, ClinGen allele CA8882307.
Genomic context (GRCh38, chr18:7,012,112, plus strand): 5'-GCACGGGCTGCAGCCCAGGGGGTTGTCTGCGCGGAGAGCGAAGGTGCCCTCTCGACATTC[G>A]TTGCACTGAGGACCAAAGACATTTTCCTACAGGGGAGCAAATAAAGGACTCGTTTTTGCC-3'
Protein context (NP_005550.2, residues 1120-1140): CKENVFGPQC[Asn1130=]ECREGTFALR

ClinVar aggregate classification (germline): Likely benign. Review status: criteria provided, multiple submitters, no conflicts (2 of 4 stars). 4 submissions from 4 submitters: Likely benign (4). Last evaluated 2026-09-01.

Allele frequency attached by ClinVar (database versions not stated): ExAC 0.00004; gnomAD 0.00006 and 0.00008; gnomAD exomes 0.00006 and 0.00008; TOPMed 0.00006; 1000 Genomes Project 0.00020; 1000 Genomes Project 30x 0.00031.
gnomAD v4.1: 130 of 1,613,972 alleles (0.0081%); highest among the groups gnomAD compares: Middle Eastern, 0.066%; no homozygotes.

Submissions (4):

CeGaT Center for Human Genetics Tuebingen
Classification: Likely benign. Last evaluated: 2026-09-01. Review status: criteria provided, single submitter. Criteria: CeGaT Center For Human Genetics Tuebingen Variant Classification Criteria Version 2. Collection method: clinical testing. Allele origin: germline. Affected: yes. Observed: 1 variant allele.
Comment: LAMA1: BP4, BP7

Labcorp Genetics (formerly Invitae), Labcorp
Classification: Likely benign. Last evaluated: 2025-05-19. Review status: criteria provided, single submitter. Criteria: Invitae Variant Classification Sherloc (09022015). Collection method: clinical testing. Allele origin: germline.

Women's Health and Genetics/Laboratory Corporation of America, LabCorp
Classification: Likely benign. Last evaluated: 2024-03-29. Review status: criteria provided, single submitter. Criteria: LabCorp Variant Classification Summary - May 2015. Collection method: clinical testing. Allele origin: germline.

Blueprint Genetics
Classification: Likely benign. Last evaluated: 2023-06-29. Review status: criteria provided, single submitter. Criteria: ACMG Guidelines, 2015. Collection method: clinical testing. Allele origin: germline.